The following is an entry in ClinVar:

ClinVar aggregate classification (germline): Uncertain significance. Review status: criteria provided, multiple submitters, no conflicts (2 of 4 stars). 2 submissions from 2 submitters: Uncertain significance (2). Last evaluated 2024-09-19.

Allele frequency attached by ClinVar (database versions not stated): ExAC 0.00001; gnomAD 0.00001 and 0.00002; gnomAD exomes 0.00002 and 0.00003; TOPMed 0.00002.
gnomAD v4.1: 50 of 1,614,070 alleles (0.0031%); highest among the groups gnomAD compares: Middle Eastern, 0.033%; no homozygotes.

Submissions (2):

Blueprint Genetics
Classification: Uncertain significance. Last evaluated: 2024-09-19. Review status: criteria provided, single submitter. Criteria: ACMG Guidelines, 2015. Collection method: clinical testing. Allele origin: germline.

Labcorp Genetics (formerly Invitae), Labcorp
Classification: Uncertain significance. Last evaluated: 2023-07-07. Review status: criteria provided, single submitter. Criteria: Invitae Variant Classification Sherloc (09022015). Collection method: clinical testing. Allele origin: germline.
Comment: In summary, the available evidence is currently insufficient to determine the role of this variant in disease. Therefore, it has been classified as a Variant of Uncertain Significance. This sequence change replaces serine, which is neutral and polar, with proline, which is neutral and non-polar, at codon 565 of the TOPORS protein (p.Ser565Pro). This variant is present in population databases (rs747946522, gnomAD 0.003%). This variant has not been reported in the literature in individuals affected with TOPORS-related conditions. ClinVar contains an entry for this variant (Variation ID: 1404339). An algorithm developed to predict the effect of missense changes on protein structure and function (PolyPhen-2) suggests that this variant is likely to be disruptive.

NM_005802.5(TOPORS):c.1693T>C (p.Ser565Pro)

Gene: TOPORS (TOP1 binding arginine/serine rich protein, E3 ubiquitin ligase; minus strand). Cytogenetic location: 9p21.1.
Variant type: single nucleotide variant.
Coding change: c.1693T>C on transcript NM_005802.5 (MANE Select); coding-DNA position 1693, T replaced by C.
Protein change: p.Ser565Pro; replaces serine 565 with proline.
Molecular consequence: missense variant.
Genome position (GRCh38, 1-based): chr9:32,542,832, A>G on the plus strand (T>C on the coding strand, the complement: TOPORS is on the minus strand). VCF-style: chr9-32542832-A-G. GRCh37 (hg19) VCF-style: chr9-32542830-A-G.
Other names: c.1498T>C, p.Ser500Pro (NM_001195622.2); short protein forms S500P, S565P.
Identifiers: ClinVar variation 1404339 (VCV001404339.7), dbSNP rs747946522, ClinGen allele CA5020490.